The following is an entry in ClinVar:

NM_000238.4(KCNH2):c.3440C>G (p.Ser1147Cys)

Gene: KCNH2 (potassium voltage-gated channel subfamily H member 2; minus strand). Cytogenetic location: 7q36.1.
Variant type: single nucleotide variant.
Coding change: c.3440C>G on transcript NM_000238.4 (MANE Select); coding-DNA position 3440, C replaced by G.
Protein change: p.Ser1147Cys; replaces serine 1147 with cysteine.
Molecular consequence: missense variant. On other transcripts: non-coding transcript variant (2).
Genome position (GRCh38, 1-based): chr7:150,945,405, G>C on the plus strand (C>G on the coding strand, the complement: KCNH2 is on the minus strand). VCF-style: chr7-150945405-G-C. GRCh37 (hg19) VCF-style: chr7-150642493-G-C.
Other names: c.3152C>G, p.Ser1051Cys (NM_001406753.1); c.2420C>G, p.Ser807Cys (NM_172057.3); short protein forms S1051C, S1147C, S807C.
Identifiers: ClinVar variation 3071428 (VCV003071428.1), dbSNP rs2485994669, ClinGen allele CA369851415.

ClinVar aggregate classification (germline): Uncertain significance (1 of 4 stars; one submission).

Conditions:
Long QT syndrome (LQTS). Identifiers: MedGen C0023976, MeSH D008133, MONDO:0002442. Disease mechanism: loss of function. Inheritance: Various modes of inheritance.

Submission:

All of Us Research Program, National Institutes of Health
Classification: Uncertain significance for Long QT syndrome. Last evaluated: 2023-05-31. Review status: criteria provided, single submitter. Criteria: ACMG Guidelines, 2015. Collection method: clinical testing. Allele origin: germline. Inheritance: Autosomal dominant inheritance. Observed: 1 variant allele, 1 heterozygote.
Comment: This study involves interpretation of variants in research participants for the purpose of population health screening. Participant phenotype was not available at the time of variant classification. Additional details can be found in publication PMID: 35346344, PMCID: PMC8962531